The following is an entry in ClinVar:

NM_006663.4(PPP1R13L):c.778G>A (p.Glu260Lys)

Gene: PPP1R13L (protein phosphatase 1 regulatory subunit 13 like; minus strand). Cytogenetic location: 19q13.32.
Variant type: single nucleotide variant.
Coding change: c.778G>A on transcript NM_006663.4 (MANE Select); coding-DNA position 778, G replaced by A.
Protein change: p.Glu260Lys; replaces glutamic acid 260 with lysine.
Molecular consequence: missense variant.
Genome position (GRCh38, 1-based): chr19:45,396,371, C>T on the plus strand (G>A on the coding strand, the complement: PPP1R13L is on the minus strand). VCF-style: chr19-45396371-C-T. GRCh37 (hg19) VCF-style: chr19-45899629-C-T.
Other names: c.778G>A, p.Glu260Lys (NM_001142502.2); short protein forms E260K.
Identifiers: ClinVar variation 2213458 (VCV002213458.3), dbSNP rs112730430, ClinGen allele CA9514553.

ClinVar aggregate classification (germline): Conflicting classifications of pathogenicity. Review status: criteria provided, conflicting classifications (1 of 4 stars). 2 submissions from 2 submitters: Uncertain significance (1); Likely benign (1). Last evaluated 2025-04-09.

Conditions:
Inborn genetic diseases. Identifiers: MedGen C0950123, MeSH D030342.

Allele frequency attached by ClinVar (database versions not stated): gnomAD exomes 0.00003; TOPMed 0.00004; ESP Exome Variant Server 0.00008.
gnomAD v4.1: 90 of 1,614,144 alleles (0.0056%); highest among the groups gnomAD compares: African/African-American, 0.019%; 1 homozygote.

Submissions (2):

Molecular Diagnostic Laboratory for Inherited Cardiovascular Disease, Montreal Heart Institute
Classification: Likely benign. Last evaluated: 2025-04-09. Review status: criteria provided, single submitter. Criteria: ACMG Guidelines, 2015. Collection method: clinical testing. Allele origin: germline. Affected: no.
Comment: BS1;BP5

Ambry Genetics
Classification: Uncertain significance for Inborn genetic diseases. Last evaluated: 2021-06-23. Review status: criteria provided, single submitter. Criteria: Ambry Variant Classification Scheme 2023. Collection method: clinical testing. Allele origin: germline.